The following is an entry in ClinVar:

NM_000135.4(FANCA):c.1912G>T (p.Gly638Ter)

Gene: FANCA (FA complementation group A; minus strand). Cytogenetic location: 16q24.3.
Variant type: single nucleotide variant.
Coding change: c.1912G>T on transcript NM_000135.4 (MANE Select); coding-DNA position 1912, G replaced by T.
Protein change: p.Gly638Ter; replaces glycine 638 with a stop codon.
Molecular consequence: nonsense.
Genome position (GRCh38, 1-based): chr16:89,773,373, C>A on the plus strand (G>T on the coding strand, the complement: FANCA is on the minus strand). VCF-style: chr16-89773373-C-A. GRCh37 (hg19) VCF-style: chr16-89839781-C-A.
Other names: c.1912G>T, p.Gly638Ter (NM_001286167.3); short protein forms G638*.
Identifiers: ClinVar variation 1698552 (VCV001698552.3), dbSNP rs2143367693, ClinGen allele CA397450387.

ClinVar aggregate classification (germline): Likely pathogenic. Review status: criteria provided, multiple submitters, no conflicts (2 of 4 stars). 2 submissions from 2 submitters: Likely pathogenic (2). Last evaluated 2022-06-14.

Conditions:
Fanconi anemia complementation group A (FANCA). Also called: Fanconi anemia, group A; FANCA-Related Fanconi Anemia. Identifiers: Orphanet 84, MedGen C3469521, MONDO:0009215, OMIM 227650.
Fanconi anemia (FA). Also called: Fanconi's anemia. Identifiers: Orphanet 84, MedGen C0015625, MeSH D005199, MONDO:0019391.

Allele frequency attached by ClinVar (database versions not stated): gnomAD exomes below 0.00001.

Submissions (2):

Women's Health and Genetics/Laboratory Corporation of America, LabCorp
Classification: Likely pathogenic for Fanconi anemia. Last evaluated: 2022-06-14. Review status: criteria provided, single submitter. Criteria: LabCorp Variant Classification Summary - May 2015. Collection method: clinical testing. Allele origin: germline.
Comment: Variant summary: FANCA c.1912G>T (p.Gly638X) results in a premature termination codon, predicted to cause a truncation of the encoded protein or absence of the protein due to nonsense mediated decay, which are commonly known mechanisms for disease. Truncations downstream of this position have been classified as pathogenic by our laboratory. The variant was absent in 156080 control chromosomes (gnomAD). To our knowledge, no occurrence of c.1912G>T in individuals affected with Fanconi Anemia and no experimental evidence demonstrating its impact on protein function have been reported. No clinical diagnostic laboratories have submitted clinical-significance assessments for this variant to ClinVar after 2014. Based on the evidence outlined above, the variant was classified as likely pathogenic.

Myriad Genetics, Inc.
Classification: Likely pathogenic for Fanconi anemia complementation group A. Last evaluated: 2022-03-31. Review status: criteria provided, single submitter. Criteria: Myriad Women's Health Autosomal Recessive and X-Linked Classification Criteria (2021). Collection method: clinical testing. Allele origin: unknown.
Comment: NM_000135.2(FANCA):c.1912G>T(G638*) is expected to be pathogenic in the context of Fanconi anemia complementation group A. This variant is predicted to lead to an abnormal or absent protein product due to the creation of a premature termination codon in FANCA, a gene where loss-of-function variants are known to be pathogenic. Please note: this variant was assessed in the context of healthy population screening.